The following is an entry in ClinVar:

ClinVar aggregate classification (germline): Uncertain significance (1 of 4 stars; one submission).

Allele frequency attached by ClinVar (database versions not stated): gnomAD exomes below 0.00001; TOPMed below 0.00001; gnomAD 0.00001.

Submission:

GeneDx
Classification: Uncertain significance. Last evaluated: 2022-05-18. Review status: criteria provided, single submitter. Criteria: GeneDx Variant Classification Process June 2021. Collection method: clinical testing. Allele origin: germline. Affected: yes.
Comment: Not observed at significant frequency in large population cohorts (gnomAD); In silico analysis supports that this missense variant does not alter protein structure/function; Has not been previously published as pathogenic or benign to our knowledge

NM_004974.4(KCNA2):c.1390G>A (p.Gly464Ser)

Gene: KCNA2 (potassium voltage-gated channel subfamily A member 2; minus strand). Cytogenetic location: 1p13.3.
Variant type: single nucleotide variant.
Coding change: c.1390G>A on transcript NM_004974.4 (MANE Select); coding-DNA position 1390, G replaced by A.
Protein change: p.Gly464Ser; replaces glycine 464 with serine.
Molecular consequence: missense variant. On other transcripts: intron variant (1).
Genome position (GRCh38, 1-based): chr1:110,603,393, C>T on the plus strand (G>A on the coding strand, the complement: KCNA2 is on the minus strand). VCF-style: chr1-110603393-C-T. GRCh37 (hg19) VCF-style: chr1-111146015-C-T.
Other names: c.894+496G>A (NM_001204269.2); short protein forms G464S.
Identifiers: ClinVar variation 1308309 (VCV001308309.3), dbSNP rs1649445017, ClinGen allele CA341600534.
Genomic context (GRCh38, chr1:110,603,393, plus strand): 5'-AGGTACAGTTGGCTGTTTTCAAGTTTTCCTCTCTAAAGTCCTCATTACTGTTATTTACAC[C>T]CTCCTGGATCTCCATGTAATCAGACTTACTAATGGTAGAGGCACTTCTACTTTTCTTTAG-3'
Protein context (NP_004965.1, residues 454-474): SKSDYMEIQE[Gly464Ser]VNNSNEDFRE